The following is an entry in ClinVar:

ClinVar aggregate classification (germline): Conflicting classifications of pathogenicity. Review status: criteria provided, conflicting classifications (1 of 4 stars). 5 submissions from 5 submitters: Pathogenic (2); Uncertain significance (1). 2 of the submissions do not count toward it. Last evaluated 2025-10-05.

Conditions:
Maturity-onset diabetes of the young type 6 (MODY6). Identifiers: Orphanet 552, MedGen C1853371, MONDO:0011668, OMIM 606394.
NEUROD1-related disorder. Also called: NEUROD1-related condition.

Submissions (5):

Labcorp Genetics (formerly Invitae), Labcorp
Classification: Pathogenic. Last evaluated: 2025-10-05. Review status: criteria provided, single submitter. Criteria: Invitae Variant Classification Sherloc (09022015). Collection method: clinical testing. Allele origin: germline.
Comment: This sequence change creates a premature translational stop signal (p.His206Profs*38) in the NEUROD1 gene. While this is not anticipated to result in nonsense mediated decay, it is expected to disrupt the last 151 amino acid(s) of the NEUROD1 protein. The frequency data for this variant in the population databases is considered unreliable, as metrics indicate poor data quality at this position in the gnomAD database. This premature translational stop signal has been observed in individual(s) with autosomal dominant maturity onset diabetes of the young (PMID: 10545951, 28664602). It has also been observed to segregate with disease in related individuals. ClinVar contains an entry for this variant (Variation ID: 7854). Algorithms developed to predict the effect of variants on gene product structure and function are not available or were not evaluated for this variant. Experimental studies have shown that this premature translational stop signal affects NEUROD1 function (PMID: 10545951). For these reasons, this variant has been classified as Pathogenic.

GeneDx
Classification: Pathogenic. Last evaluated: 2023-08-14. Review status: criteria provided, single submitter. Criteria: GeneDx Variant Classification Process June 2021. Collection method: clinical testing. Allele origin: germline. Affected: yes.
Comment: Published functional studies demonstrate a damaging effect as the variant abolishes ability to bind co-activators and is unable to activate target genes (Malecki et al., 1999); Frameshift variant predicted to result in protein truncation, as the last 151 amino acids are replaced with 37 different amino acids, and other loss-of-function variants have been reported downstream in HGMD; This variant is associated with the following publications: (PMID: 28664602, 36208030, 10545951, 34556497)

Women's Health and Genetics/Laboratory Corporation of America, LabCorp
Classification: Uncertain significance. Last evaluated: 2022-04-22. Review status: criteria provided, single submitter. Criteria: LabCorp Variant Classification Summary - May 2015. Collection method: clinical testing. Allele origin: germline.
Comment: Variant summary: NEUROD1 c.616dupC (p.His206ProfsX38) located in the last exon (exon 2) results in a premature termination codon, predicted to cause a truncation of the encoded protein or absence of the protein due to nonsense mediated decay, which are commonly known mechanisms for disease. Truncations downstream of this position have not been observed at our laboratory but have been reported in association with Monogenic Diabetes in the HGMD database. The variant allele was found at a frequency of 2.4e-05 in 250042 control chromosomes, indicated to have failed random forest filtering and listed as being multialleleic with 2-182542971-TGGG-T (p.Pro205del) in the gnomAD exomes database, suggesting technically problematic issues with its occurrence. c.616dupC has been reported in the literature to segregate with disease in families with multiple individuals affected with Monogenic Diabetes and in settings of multigene panel testing for Monogenic Diabetes (example, Malecki_1999, Horikawa_2018, Saint-Martin_2022). These data indicate that the variant is very likely to be associated with disease in a presumably dominant mode of inheritance. At least one publication reports experimental evidence evaluating an impact on protein function (Malecki_1999). The most pronounced variant effect results in impaired NEUROD1 transactivation activity presumably due to disruption of the C-terminal transactivation domain. The ClinGen expert panel states this gene as having "limited" validity for association to a phenotype of autosomal dominant monogenic diabetes and "moderate" validity for association to a phenotype of autosomal recessive monogenic diabetes. No clinical diagnostic laboratories have submitted clinical-significance assessments for this variant to ClinVar after 2014. Based on the evidence outlined above, the variant was classified as VUS-possibly pathogenic.

PreventionGenetics, part of Exact Sciences
Classification: Likely pathogenic for NEUROD1-related condition. Last evaluated: 2024-01-26. Review status: no assertion criteria provided. Collection method: clinical testing. Allele origin: germline. Not counted in ClinVar's aggregate classification.
Comment: The NEUROD1 c.616dupC variant is predicted to result in a frameshift and premature protein termination (p.His206Profs*38). This variant has been reported in multiple individuals from two families affected with MODY and segregated with disease in these families (Malecki et al 1999. PubMed ID: 10545951; Horikawa et al. 2017. PubMed ID: 28664602). This variant is reported in 0.0100% of alleles in individuals of Ashkenazi Jewish descent in gnomAD. Frameshift variants in NEUROD1 are expected to be pathogenic. This variant is interpreted as likely pathogenic.

OMIM
Classification: Pathogenic for MATURITY-ONSET DIABETES OF THE YOUNG, TYPE 6. Last evaluated: 1999-11-01. Review status: no assertion criteria provided. Collection method: literature only. Allele origin: germline. Not counted in ClinVar's aggregate classification.

Literature cited by the submitters: PubMed 10545951 (cited by 3 submitters); PubMed 28664602 (cited by Labcorp Genetics (formerly Invitae), Labcorp and Women's Health and Genetics/Laboratory Corporation of America, LabCorp); PubMed 34556497 (cited by Women's Health and Genetics/Laboratory Corporation of America, LabCorp).

NM_002500.5(NEUROD1):c.616dup (p.His206fs)

Gene: NEUROD1 (neuronal differentiation 1; minus strand). Cytogenetic location: 2q31.3.
Variant type: Duplication.
Coding change: c.616dup on transcript NM_002500.5 (MANE Select); coding-DNA position 616, one base duplicated (C; older notation c.616dupC).
Protein change: p.His206fs; shifts the reading frame from histidine 206.
Molecular consequence: frameshift variant.
Genome position (GRCh38, 1-based): chr2:181,678,245, G duplicated on the plus strand (C on the coding strand, the reverse complement: NEUROD1 is on the minus strand); the first of 7 consecutive G bases (chr2:181,678,245-181,678,251); duplicating any one gives the same sequence. VCF-style (leftmost placement, unchanged base first): chr2-181678244-T-TG. GRCh37 (hg19) VCF-style: chr2-182542971-T-TG.
Other names: c.616dup (NM_002500.3); short protein forms H206fs.
Identifiers: ClinVar variation 7854 (VCV000007854.9), dbSNP rs387906384, ClinGen allele CA119118.